The following is an entry in ClinVar:

NM_001130823.3(DNMT1):c.2558A>G (p.Lys853Arg)

Gene: DNMT1 (DNA methyltransferase 1; minus strand). Cytogenetic location: 19p13.2.
Variant type: single nucleotide variant.
Coding change: c.2558A>G on transcript NM_001130823.3 (MANE Select); coding-DNA position 2558, A replaced by G.
Protein change: p.Lys853Arg; replaces lysine 853 with arginine.
Molecular consequence: missense variant.
Genome position (GRCh38, 1-based): chr19:10,149,481, T>C on the plus strand (A>G on the coding strand, the complement: DNMT1 is on the minus strand). VCF-style: chr19-10149481-T-C. GRCh37 (hg19) VCF-style: chr19-10260157-T-C.
Other names: c.2510A>G, p.Lys837Arg (NM_001318730.2, NM_001379.4); c.2195A>G, p.Lys732Arg (NM_001318731.2); short protein forms K837R, K732R, K853R.
Identifiers: ClinVar variation 3637821 (VCV003637821.2).

ClinVar aggregate classification (germline): Uncertain significance (1 of 4 stars; one submission).

Conditions:
Hereditary sensory neuropathy-deafness-dementia syndrome. Also called: Hereditary Sensory and Autonomic Neuropathy Type 1E (HSAN1E); NEUROPATHY, HEREDITARY SENSORY, WITH HEARING LOSS AND DEMENTIA; HSN IE; Hereditary sensory neuropathy type IE. Identifiers: Orphanet 456318, MedGen C3279885, MONDO:0013584, OMIM 614116.

gnomAD v4.1: 2 of 1,614,064 alleles (0.00012%); highest among the groups gnomAD compares: Admixed American, 0.0033%; no homozygotes.

Submission:

Labcorp Genetics (formerly Invitae), Labcorp
Classification: Uncertain significance for Hereditary sensory neuropathy-deafness-dementia syndrome. Last evaluated: 2024-11-27. Review status: criteria provided, single submitter. Criteria: Invitae Variant Classification Sherloc (09022015). Collection method: clinical testing. Allele origin: germline.
Comment: This sequence change replaces lysine, which is basic and polar, with arginine, which is basic and polar, at codon 853 of the DNMT1 protein (p.Lys853Arg). This variant is present in population databases (no rsID available, gnomAD 0.006%). This variant has not been reported in the literature in individuals affected with DNMT1-related conditions. Invitae Evidence Modeling of protein sequence and biophysical properties (such as structural, functional, and spatial information, amino acid conservation, physicochemical variation, residue mobility, and thermodynamic stability) indicates that this missense variant is not expected to disrupt DNMT1 protein function with a negative predictive value of 80%. In summary, the available evidence is currently insufficient to determine the role of this variant in disease. Therefore, it has been classified as a Variant of Uncertain Significance.